The following is an entry in ClinVar:

ClinVar aggregate classification (germline): Uncertain significance (1 of 4 stars; one submission).

Conditions:
Mitochondrial complex I deficiency, nuclear type 21. Also called: Mitochondrial complex 1 deficiency, nuclear type 21. Identifiers: MedGen C4748792, MONDO:0032625, OMIM 618242.

Submission:

Centre for Mendelian Genomics, University Medical Centre Ljubljana
Classification: Uncertain significance for Mitochondrial complex I deficiency, nuclear type 21. Last evaluated: 2018-11-16. Review status: criteria provided, single submitter. Criteria: ACMG Guidelines, 2015. Collection method: clinical testing. Allele origin: unknown. Affected: yes.
Comment: This variant was classified as: Uncertain significance. The available evidence on this variant's pathogenicity is insufficient or conflicting. The following ACMG criteria were applied in classifying this variant: PM2.

NM_025152.3(NUBPL):c.591_595del (p.Gln197fs)

Gene: NUBPL (NUBP iron-sulfur cluster assembly factor, mitochondrial; plus strand). Cytogenetic location: 14q12.
Variant type: Deletion.
Coding change: c.591_595del on transcript NM_025152.3 (MANE Select); coding-DNA positions 591 to 595, 5 bases deleted (GAATA; older notation c.591_595delGAATA).
Protein change: p.Gln197fs; shifts the reading frame from glutamine 197.
Molecular consequence: frameshift variant.
Genome position (GRCh38, 1-based): chr14:31,787,857-31,787,861, GAATA deleted; deleting any 5 consecutive bases within chr14:31,787,856-31,787,861 gives the same sequence; the c. name uses the placement nearest the transcript's 3' end. VCF-style (leftmost placement, unchanged base first): chr14-31787855-CAGAAT-C. GRCh37 (hg19) VCF-style: chr14-32257061-CAGAAT-C.
Other names: c.303_307del, p.Gln101fs (NM_001201573.2); c.42_46del, p.Gln14fs (NM_001201574.2); short protein forms Q197fs, Q101fs, Q14fs.
Identifiers: ClinVar variation 931860 (VCV000931860.3), dbSNP rs1313083001, ClinGen allele CA613293131.
Genomic context (GRCh38, chr14:31,787,855, plus strand): 5'-CTGGACTACTTAGTTGTAGACATGCCACCAGGAACTGGAGATGTGCAGTTATCAGTCTCA[CAGAAT>C]ATTCCTATAACAGGTAAATCTTCAAAGTTTAAAGTAATTTGTACTTTTTTTGATGTGTTG-3'